The following is an entry in ClinVar:

ClinVar aggregate classification (germline): Pathogenic. Review status: criteria provided, multiple submitters, no conflicts (2 of 4 stars). 2 submissions from 2 submitters: Pathogenic (2). Last evaluated 2011-08-12.

Submissions (2):

ISCA site 14
Classification: Pathogenic. Last evaluated: 2011-08-12. Review status: criteria provided, single submitter. Criteria: Kaminsky et al. (Genet Med. 2011). Collection method: clinical testing. Allele origin: unknown, de novo. Affected: yes. Observed: 2 variant alleles.
Comment: Copy number variation identified through the course of routine clinical cytogenomic testing in postnatal populations. Clinical assertions have been curated as described in Kaminsky et al. 2011.

ISCA site 4
Classification: Pathogenic. Last evaluated: 2011-08-12. Review status: criteria provided, single submitter. Criteria: Kaminsky et al. (Genet Med. 2011). Collection method: clinical testing. Allele origin: unknown. Affected: yes. Observed: 5 variant alleles. Clinical features observed: Abnormality of the nervous system (HP:0000707), Obesity (HP:0001513), Intellectual disability (HP:0001249), Developmental delay AND/OR other significant developmental or morphological phenotypes, Global developmental delay (HP:0001263).
Comment: the same text as in the submission from ISCA site 14 above.

GRCh38/hg38 16p11.2(chr16:29581462-30179247)x1

Genes: ALDOA (aldolase, fructose-bisphosphate A; plus strand), ASPHD1 (aspartate beta-hydroxylase domain containing 1; plus strand), C16orf54 (chromosome 16 open reading frame 54; minus strand), CDIPT (CDP-diacylglycerol--inositol 3-phosphatidyltransferase; minus strand), CDIPTOSP (CDIP transferase opposite strand, pseudogene; plus strand) and 97 more. Cytogenetic location: 16p11.2.
Variant type: copy number loss.
Change: copy number 1 (one copy instead of two) of chr16:29,581,462-30,179,247 (597.8 kb, GRCh38 coordinates, 1-based), cytogenetic band 16p11.2.
Identifiers: ClinVar variation 160842 (VCV000160842.1).